The following is an entry in ClinVar:

NM_004329.3(BMPR1A):c.1215A>G (p.Lys405=)

Gene: BMPR1A (bone morphogenetic protein receptor type 1A; plus strand). Cytogenetic location: 10q23.2.
Variant type: single nucleotide variant.
Coding change: c.1215A>G on transcript NM_004329.3 (MANE Select); coding-DNA position 1215, A replaced by G.
Protein change: p.Lys405=; no amino-acid change (lysine 405 retained).
Molecular consequence: synonymous variant.
Genome position (GRCh38, 1-based): chr10:86,921,568, A>G. VCF-style: chr10-86921568-A-G. GRCh37 (hg19) VCF-style: chr10-88681325-A-G.
Identifiers: ClinVar variation 391350 (VCV000391350.22), dbSNP rs587781522, ClinGen allele CA5585674.
Genomic context (GRCh38, chr10:86,921,568, plus strand): 5'-CTTTTGTTTCAGTGACACAAATGAAGTTGATGTGCCCTTGAATACCAGGGTGGGCACCAA[A>G]CGCTACATGGCTCCCGAAGTGCTGGACGAAAGCCTGAACAAAAACCACTTCCAGCCCTAC-3'
Protein context (NP_004320.2, residues 395-415): DVPLNTRVGT[Lys405=]RYMAPEVLDE

ClinVar aggregate classification (germline): Benign/Likely benign. Review status: criteria provided, multiple submitters, no conflicts (2 of 4 stars). 7 submissions from 7 submitters: Benign (1); Likely benign (6). Last evaluated 2026-01-26.

Conditions:
Juvenile polyposis syndrome (JPS). Identifiers: Orphanet 2929, MedGen C0345893, MONDO:0017380, OMIM 174900.
Hereditary cancer-predisposing syndrome. Also called: Neoplastic Syndromes, Hereditary; Hereditary neoplastic syndrome; Tumor predisposition; Hereditary Cancer Syndrome. Identifiers: Orphanet 140162, MedGen C0027672, MeSH D009386, MONDO:0015356.

Allele frequency attached by ClinVar (database versions not stated): ExAC 0.00001.
gnomAD v4.1: 1 of 1,614,132 alleles (0.000062%); no homozygotes.

Submissions (7):

Labcorp Genetics (formerly Invitae), Labcorp
Classification: Likely benign for Juvenile polyposis syndrome. Last evaluated: 2026-01-26. Review status: criteria provided, single submitter. Criteria: Invitae Variant Classification Sherloc (09022015). Collection method: clinical testing. Allele origin: germline.

Myriad Genetics, Inc.
Classification: Benign for Juvenile polyposis syndrome. Last evaluated: 2024-08-07. Review status: criteria provided, single submitter. Criteria: Myriad Autosomal Dominant, Autosomal Recessive and X-Linked Classification Criteria (2023). Collection method: clinical testing. Allele origin: unknown.
Comment: This variant is considered benign. This variant is a silent/synonymous amino acid change and it is not expected to impact splicing.

All of Us Research Program, National Institutes of Health
Classification: Likely benign for Juvenile polyposis syndrome. Last evaluated: 2023-08-15. Review status: criteria provided, single submitter. Criteria: ACMG Guidelines, 2015. Collection method: clinical testing. Allele origin: germline. Inheritance: Autosomal dominant inheritance. Observed: 2 variant alleles, 2 heterozygotes.
Comment: This study involves interpretation of variants in research participants for the purpose of population health screening. Participant phenotype was not available at the time of variant classification. Additional details can be found in publication PMID: 35346344, PMCID: PMC8962531

Sema4
Classification: Likely benign for Hereditary cancer-predisposing syndrome. Last evaluated: 2022-01-14. Review status: criteria provided, single submitter. Criteria: Sema4 Curation Guidelines. Collection method: curation. Allele origin: germline.

GeneDx
Classification: Likely benign. Last evaluated: 2019-07-09. Review status: criteria provided, single submitter. Criteria: GeneDx Variant Classification Process June 2021. Collection method: clinical testing. Allele origin: germline. Affected: yes.

Ambry Genetics
Classification: Likely benign for Hereditary cancer-predisposing syndrome. Last evaluated: 2018-04-19. Review status: criteria provided, single submitter. Criteria: Ambry Variant Classification Scheme 2023. Collection method: clinical testing. Allele origin: germline.

Color Diagnostics, LLC DBA Color Health
Classification: Likely benign for Hereditary cancer-predisposing syndrome. Last evaluated: 2017-01-03. Review status: criteria provided, single submitter. Criteria: ACMG Guidelines, 2015. Collection method: clinical testing. Allele origin: germline.